The following is an entry in ClinVar:

ClinVar aggregate classification (germline): Likely pathogenic (1 of 4 stars; one submission).

Submission:

Dasa
Classification: Likely pathogenic. Last evaluated: 2024-08-16. Review status: criteria provided, single submitter. Criteria: DASA Assertion Criteria. Collection method: clinical testing. Allele origin: germline.
Comment: NM_173348.2(FAM149B1):c.356del (p.Lys119Serfs*2) is a frameshift variant in FAM149B1 predicted to alter the reading frame and introduce a premature termination codon and is predicted to result in an absent or altered protein product. Loss of function is an established disease mechanism for FAM149B1-associated disorders. Also, this variant is absent from population databases. Based on the currently available evidence, this variant is classified as likely pathogenic.

NM_173348.2(FAM149B1):c.356del (p.Lys119fs)

Gene: FAM149B1 (family with sequence similarity 149 member B1; plus strand). Cytogenetic location: 10q22.2.
Variant type: Deletion.
Coding change: c.356del on transcript NM_173348.2 (MANE Select); coding-DNA position 356, one base deleted (A; older notation c.356delA).
Protein change: p.Lys119fs; shifts the reading frame from lysine 119.
Molecular consequence: frameshift variant.
Genome position (GRCh38, 1-based): chr10:73,192,629, A deleted; the last of 2 consecutive A bases (chr10:73,192,628-73,192,629); deleting either gives the same sequence. VCF-style (leftmost placement, unchanged base first): chr10-73192627-GA-G. GRCh37 (hg19) VCF-style: chr10-74952385-GA-G.
Other names: short protein forms K119fs.
Identifiers: ClinVar variation 4886477 (VCV004886477.2).